The following is an entry in ClinVar:

ClinVar aggregate classification (germline): Likely pathogenic (1 of 4 stars; one submission).

Conditions:
Generalized dominant dystrophic epidermolysis bullosa (DDEB). Also called: DDEB, generalized; DDEB-gen; DYSTROPHIC EPIDERMOLYSIS BULLOSA, AUTOSOMAL DOMINANT; Epidermolysis bullosa dystrophica, autosomal dominant; Dominant DEB (DDEB). Identifiers: Orphanet 231568, MedGen C0432322, MONDO:0007549, OMIM 131750.

Submission:

MVZ Medizinische Genetik Mainz
Classification: Likely pathogenic for Generalized dominant dystrophic epidermolysis bullosa. Last evaluated: 2024-04-08. Review status: criteria provided, single submitter. Criteria: UK Practice Guidelines For Variant Classification V4 01 2020. Collection method: clinical testing. Allele origin: germline. Inheritance: Autosomal recessive inheritance. Affected: yes. Observed: 1 variant allele.
Comment: ACMG Criteria: PM1,PM2_SUP,PM3_SUP,PP3,PP4

NM_000094.4(COL7A1):c.7274G>A (p.Gly2425Asp)

Gene: COL7A1 (collagen type VII alpha 1 chain; minus strand). Cytogenetic location: 3p21.31.
Variant type: single nucleotide variant.
Coding change: c.7274G>A on transcript NM_000094.4 (MANE Select); coding-DNA position 7274, G replaced by A.
Protein change: p.Gly2425Asp; replaces glycine 2425 with aspartic acid.
Molecular consequence: missense variant.
Genome position (GRCh38, 1-based): chr3:48,570,709, C>T on the plus strand (G>A on the coding strand, the complement: COL7A1 is on the minus strand). VCF-style: chr3-48570709-C-T. GRCh37 (hg19) VCF-style: chr3-48608142-C-T.
Other names: short protein forms G2425D.
Identifiers: ClinVar variation 3256907 (VCV003256907.1).
Genomic context (GRCh38, chr3:48,570,709, plus strand): 5'-GGTGGTCCAGGTGGCCCCAGGGGTCCTGGGATTCCTTCTCTCCCTGGGGGGCCTGCCAGA[C>T]CCTACCAGAAAAATGGGGCAAGAGAGGCAGAGAGTGACTTGGGAACCCTCCTACCCTCTG-3'
Protein context (NP_000085.1, residues 2415-2435): MGQPGPSGER[Gly2425Asp]LAGPPGREGI